The following is an entry in ClinVar:

ClinVar aggregate classification (germline): Uncertain significance (1 of 4 stars; one submission).

gnomAD v4.1: 4 of 1,613,892 alleles (0.00025%); highest among the groups gnomAD compares: Non-Finnish European, 0.00034%; no homozygotes.

Submission:

GeneDx
Classification: Uncertain significance. Last evaluated: 2025-05-01. Review status: criteria provided, single submitter. Criteria: GeneDx Variant Classification Process June 2021. Collection method: clinical testing. Allele origin: germline. Affected: yes.
Comment: Not observed at significant frequency in large population cohorts (gnomAD); Missense variants in this gene are a common cause of disease and they are underrepresented in the general population; In silico analysis suggests that this missense variant does not alter protein structure/function; Has not been previously published as pathogenic or benign to our knowledge

NM_001378687.1(ATP2C1):c.1474A>G (p.Thr492Ala)

Gene: ATP2C1 (ATPase secretory pathway Ca2+ transporting 1; plus strand). Cytogenetic location: 3q22.1.
Variant type: single nucleotide variant.
Coding change: c.1474A>G on transcript NM_001378687.1 (MANE Select); coding-DNA position 1474, A replaced by G.
Protein change: p.Thr492Ala; replaces threonine 492 with alanine.
Molecular consequence: missense variant.
Genome position (GRCh38, 1-based): chr3:130,975,392, A>G. VCF-style: chr3-130975392-A-G. GRCh37 (hg19) VCF-style: chr3-130694236-A-G.
Other names: c.1474A>G, p.Thr492Ala (NM_001001485.3, NM_001001486.2, NM_001001487.2 and 5 more transcripts); c.1576A>G, p.Thr526Ala (NM_001199180.2, NM_001199181.3, NM_001378511.1); c.1459A>G, p.Thr487Ala (NM_001199182.2); c.1426A>G, p.Thr476Ala (NM_001199183.2, NM_001199184.3, NM_001378514.1); short protein forms T476A, T487A, T492A, T526A.
Identifiers: ClinVar variation 4527885 (VCV004527885.1).